The following is an entry in ClinVar:

NM_017909.4(RMND1):c.493T>C (p.Ser165Pro)

Gene: RMND1 (required for meiotic nuclear division 1 homolog; minus strand). Cytogenetic location: 6q25.1.
Variant type: single nucleotide variant.
Coding change: c.493T>C on transcript NM_017909.4 (MANE Select); coding-DNA position 493, T replaced by C.
Protein change: p.Ser165Pro; replaces serine 165 with proline.
Molecular consequence: missense variant. On other transcripts: intron variant (1).
Genome position (GRCh38, 1-based): chr6:151,445,319, A>G on the plus strand (T>C on the coding strand, the complement: RMND1 is on the minus strand). VCF-style: chr6-151445319-A-G. GRCh37 (hg19) VCF-style: chr6-151766454-A-G.
Other names: c.-7+6697T>C (NM_001271937.2); short protein forms S165P.
Identifiers: ClinVar variation 2581738 (VCV002581738.1), dbSNP rs1343466627, ClinGen allele CA366064307.

ClinVar aggregate classification (germline): Uncertain significance (1 of 4 stars; one submission).

Allele frequency attached by ClinVar (database versions not stated): gnomAD 0.00001.
gnomAD v4.1: 1 of 1,607,778 alleles (0.000062%); highest among the groups gnomAD compares: Non-Finnish European, 0.000085%; no homozygotes.

Submission:

GeneDx
Classification: Uncertain significance. Last evaluated: 2023-03-26. Review status: criteria provided, single submitter. Criteria: GeneDx Variant Classification Process June 2021. Collection method: clinical testing. Allele origin: germline. Affected: yes.
Comment: Not observed at significant frequency in large population cohorts (gnomAD); In silico analysis supports that this missense variant does not alter protein structure/function; Has not been previously published as pathogenic or benign to our knowledge